The following is an entry in ClinVar:

ClinVar aggregate classification (germline): Uncertain significance (1 of 4 stars; one submission).

Conditions:
Inborn genetic diseases. Identifiers: MedGen C0950123, MeSH D030342.

Submission:

Ambry Genetics
Classification: Uncertain significance for Inborn genetic diseases. Last evaluated: 2025-03-31. Review status: criteria provided, single submitter. Criteria: Ambry Variant Classification Scheme 2023. Collection method: clinical testing. Allele origin: germline.
Comment: The p.T386A variant (also known as c.1156A>G), located in coding exon 10 of the PAX5 gene, results from an A to G substitution at nucleotide position 1156. The threonine at codon 386 is replaced by alanine, an amino acid with similar properties. This amino acid position is conserved. In addition, the in silico prediction for this alteration is inconclusive. Based on the available evidence, the clinical significance of this variant remains unclear.

NM_016734.3(PAX5):c.1156A>G (p.Thr386Ala)

Gene: PAX5 (paired box 5; minus strand). Cytogenetic location: 9p13.2.
Variant type: single nucleotide variant.
Coding change: c.1156A>G on transcript NM_016734.3 (MANE Select); coding-DNA position 1156, A replaced by G.
Protein change: p.Thr386Ala; replaces threonine 386 with alanine.
Molecular consequence: missense variant. On other transcripts: synonymous variant (2), non-coding transcript variant (2).
Genome position (GRCh38, 1-based): chr9:36,840,580, T>C on the plus strand (A>G on the coding strand, the complement: PAX5 is on the minus strand). VCF-style: chr9-36840580-T-C. GRCh37 (hg19) VCF-style: chr9-36840577-T-C.
Other names: c.1054A>G, p.Thr352Ala (NM_001280547.2); c.1069A>G, p.Thr357Ala (NM_001280548.2); c.924A>G, p.Pro308= (NM_001280549.2); c.837A>G, p.Pro279= (NM_001280550.2); c.643A>G, p.Thr215Ala (NM_001280551.2); c.967A>G, p.Thr323Ala (NM_001280552.2); c.940A>G, p.Thr314Ala (NM_001280553.2); c.1027A>G, p.Thr343Ala (NM_001280554.2); and 2 more; short protein forms T352A, T386A, T215A, T314A, T323A, T343A, T278A, T286A.
Identifiers: ClinVar variation 3928285 (VCV003928285.1).